The following is an entry in ClinVar:

NM_001009944.3(PKD1):c.10588C>T (p.Gln3530Ter)

Genes: PKD1 (polycystin 1, transient receptor potential channel interacting; minus strand), PKD1-AS1 (PKD1 antisense RNA 1; plus strand). Cytogenetic location: 16p13.3.
Variant type: single nucleotide variant.
Coding change: c.10588C>T on transcript NM_001009944.3 (MANE Select); coding-DNA position 10588, C replaced by T.
Protein change: p.Gln3530Ter; replaces glutamine 3530 with a stop codon.
Molecular consequence: nonsense.
Genome position (GRCh38, 1-based): chr16:2,094,122, G>A on the plus strand (C>T on the coding strand, the complement: PKD1 is on the minus strand). VCF-style: chr16-2094122-G-A. GRCh37 (hg19) VCF-style: chr16-2144123-G-A.
Other names: c.10585C>T, p.Gln3529Ter (NM_000296.4); short protein forms Q3530*, Q3529*.
Identifiers: ClinVar variation 816946 (VCV000816946.3), dbSNP rs1596490025, ClinGen allele CA394341435.
Genomic context (GRCh38, chr16:2,094,122, plus strand): 5'-TAGGGGCATCCCGGGGCTACGCAAGCACACCTGTCCTGGACAGCCTCGCTGCCTGGGGCT[G>A]TTCCCAGTTCAGGCCTGGGCTGGGTGGCCCCAGCTCCCCCAGCCTCTGCAGCGCCAGCGT-3'

ClinVar aggregate classification (germline): Pathogenic. Review status: criteria provided, multiple submitters, no conflicts (2 of 4 stars). 2 submissions from 2 submitters: Pathogenic (2). Last evaluated 2026-03-31.

Conditions:
Polycystic kidney disease, adult type (PKD1). Also called: Polycystic Kidney, Autosomal Dominant; Polycystic Kidney Disease 1, Autosomal Dominant; Polycystic kidney disease 1; Polycystic kidney disease 1, severe; POLYCYSTIC KIDNEY DISEASE 1 WITH OR WITHOUT POLYCYSTIC LIVER DISEASE; POLYCYSTIC KIDNEY DISEASE, ADULT, TYPE I. Identifiers: MedGen C3149841, MONDO:0008263, OMIM 173900.

Submissions (2):

Victorian Clinical Genetics Services, Murdoch Childrens Research Institute
Classification: Pathogenic for Polycystic kidney disease, adult type. Last evaluated: 2026-03-31. Review status: criteria provided, single submitter. Criteria: ACMG Guidelines, 2015. Collection method: clinical testing. Allele origin: germline. Affected: yes.
Comment: This variant is classified as Pathogenic. Evidence in support of pathogenic classification: Variant is predicted to cause nonsense-mediated decay (NMD) and loss of protein (premature termination codon is located at least 54 nucleotides upstream of the final exon-exon junction); Variant is absent from gnomAD (v2, v3 and v4); This variant has limited previous evidence of pathogenicity in an unrelated individual. This variant has been classified once as pathogenic by a clinical laboratory in ClinVar; Other NMD-predicted variants comparable to the one identified in this case have very strong previous evidence for pathogenicity (DECIPHER). Additional information: This variant is heterozygous; This gene is associated with autosomal dominant disease. Polycystic kidney disease 1 (MIM#173900) is predominantly caused by monoallelic variants, with rare reports of biallelic variants causing disease (OMIM); Loss of function is a known mechanism of disease in this gene and is associated with polycystic kidney disease 1 (MIM#173900). - Inheritance information for this variant is not currently available in this individual.

GeneDx
Classification: Pathogenic. Last evaluated: 2024-05-28. Review status: criteria provided, single submitter. Criteria: GeneDx Variant Classification Process June 2021. Collection method: clinical testing. Allele origin: germline. Affected: yes.
Comment: Nonsense variant predicted to result in protein truncation or nonsense mediated decay in a gene for which loss of function is a known mechanism of disease; Not observed at significant frequency in large population cohorts (gnomAD); This variant is associated with the following publications: (PMID: 25525159, 22383692, 18837007)